The following is an entry in ClinVar:

NC_012920.1(MT-ND3):m.10321T>C

Gene: MT-ND3 (mitochondrially encoded NADH dehydrogenase 3; plus strand).
Variant type: single nucleotide variant.
Genome position: chrM-10321-T-C.
Identifiers: ClinVar variation 235782 (VCV000235782.5), dbSNP rs193302928, ClinGen allele CA10581429.

ClinVar aggregate classification (germline): Benign/Likely benign. Review status: criteria provided, multiple submitters, no conflicts (2 of 4 stars). 3 submissions from 3 submitters: Benign (1); Likely benign (2). Last evaluated 2019-10-17.

Conditions:
Leigh syndrome (NULS). Also called: Leigh Syndrome (mtDNA deletion); Leigh's syndrome; LEIGH SYNDROME, NUCLEAR; Leigh Disease; Subacute necrotizing encephalopathy; Necrotizing encephalopathy infantile subacute of Leigh. Identifiers: Orphanet 506, MedGen C2931891, MONDO:0009723, OMIM 256000.

Submissions (3):

Wong Mito Lab, Molecular and Human Genetics, Baylor College of Medicine
Classification: Benign for Leigh syndrome. Last evaluated: 2019-10-17. Review status: criteria provided, single submitter. Criteria: Modified ACMG Guidelines (Unpublished). Collection method: clinical testing. Allele origin: germline.
Comment: The NC_012920.1:m.10321T>C (YP_003024033.1:p.Val88Ala) variant in MTND3 gene is interpretated to be a Benign variant based on the modified ACMG guidelines (unpublished). This variant meets the following evidence codes: BA1

Center for Pediatric Genomic Medicine, Children's Mercy Hospital and Clinics
Classification: Likely benign. Last evaluated: 2015-08-12. Review status: criteria provided, single submitter. Criteria: ACMG Guidelines, 2015. Collection method: clinical testing. Allele origin: germline.
ClinVar note: Converted during submission from Likely Benign to Likely benign.

Breakthrough Genomics
Classification: Likely benign. Review status: criteria provided, single submitter. Criteria: ACMG Guidelines, 2015. Collection method: not provided. Allele origin: germline. Inheritance: Unknown mechanism. Affected: yes.